The following is an entry in ClinVar:

ClinVar aggregate classification (germline): Uncertain significance. Review status: criteria provided, single submitter (1 of 4 stars). 2 submissions from 2 submitters: Uncertain significance (1). 1 of the submissions does not count toward it. Last evaluated 2020-08-24.

Conditions:
Alstrom syndrome (ALMS). Identifiers: Orphanet 64, MedGen C0268425, MONDO:0008763, OMIM 203800.

Allele frequency attached by ClinVar (database versions not stated): gnomAD 0.00001; TOPMed 0.00001; gnomAD exomes 0.00002; ExAC 0.00005.
gnomAD v4.1: 14 of 1,613,822 alleles (0.00087%); highest among the groups gnomAD compares: Non-Finnish European, 0.00093%; no homozygotes.

Submissions (2):

Women's Health and Genetics/Laboratory Corporation of America, LabCorp
Classification: Uncertain significance. Last evaluated: 2020-08-24. Review status: criteria provided, single submitter. Criteria: LabCorp Variant Classification Summary - May 2015. Collection method: clinical testing. Allele origin: germline.
Comment: Variant summary: ALMS1 c.3404C>T (p.Thr1135Ile, also known as c.3410C>T) results in a non-conservative amino acid change located in the Alstrom syndrome repeat (IPR040972) of the encoded protein sequence. Four of five in-silico tools predict a benign effect of the variant on protein function. The variant allele was found at a frequency of 2.4e-05 in 249034 control chromosomes (gnomAD). The available data on variant occurrences in the general population are insufficient to allow any conclusion about variant significance. To our knowledge, no occurrence of c.3404C>T in individuals affected with Alstrom Syndrome with Dilated Cardiomyopathy and no experimental evidence demonstrating its impact on protein function have been reported. No clinical diagnostic laboratories have submitted clinical-significance assessments for this variant to ClinVar after 2014. Based on the evidence outlined above, the variant was classified as uncertain significance.

Natera, Inc.
Classification: Uncertain significance for Alstrom syndrome. Last evaluated: 2020-06-29. Review status: no assertion criteria provided. Collection method: clinical testing. Allele origin: germline. Not counted in ClinVar's aggregate classification.

NM_001378454.1(ALMS1):c.3407C>T (p.Thr1136Ile)

Gene: ALMS1 (ALMS1 centrosome and basal body associated protein; plus strand). Cytogenetic location: 2p13.1.
Variant type: single nucleotide variant.
Coding change: c.3407C>T on transcript NM_001378454.1 (MANE Select); coding-DNA position 3407, C replaced by T.
Protein change: p.Thr1136Ile; replaces threonine 1136 with isoleucine.
Molecular consequence: missense variant.
Genome position (GRCh38, 1-based): chr2:73,449,934, C>T. VCF-style: chr2-73449934-C-T. GRCh37 (hg19) VCF-style: chr2-73677061-C-T.
Other names: c.3410C>T, p.Thr1137Ile (NM_015120.4); short protein forms T1136I, T1137I.
Identifiers: ClinVar variation 977722 (VCV000977722.2), dbSNP rs756805885, ClinGen allele CA1713519.
Genomic context (GRCh38, chr2:73,449,934, plus strand): 5'-TGCCTAAAGAGGCTCTGAAAATTTCAGTAGCTCCTGGACTAGCAGACCAGAAGACTGGCA[C>T]ACCAACTGTAACCTCAACTTCCTACTCACAACATAGAGAAAAGCCCAGCATTTTCCACCA-3'
Protein context (NP_001365383.1, residues 1126-1146): APGLADQKTG[Thr1136Ile]PTVTSTSYSQ